The following is an entry in ClinVar:

NM_000062.3(SERPING1):c.1375G>A (p.Ala459Thr)

Gene: SERPING1 (serpin family G member 1; plus strand). Cytogenetic location: 11q12.1.
Variant type: single nucleotide variant.
Coding change: c.1375G>A on transcript NM_000062.3 (MANE Select); coding-DNA position 1375, G replaced by A.
Protein change: p.Ala459Thr; replaces alanine 459 with threonine.
Molecular consequence: missense variant.
Genome position (GRCh38, 1-based): chr11:57,614,453, G>A. VCF-style: chr11-57614453-G-A. GRCh37 (hg19) VCF-style: chr11-57381926-G-A.
Other names: c.1375G>A, p.Ala459Thr (NM_001032295.2); short protein forms A459T.
Identifiers: ClinVar variation 2083617 (VCV002083617.4), dbSNP rs1342831518, ClinGen allele CA380690701.

ClinVar aggregate classification (germline): Uncertain significance (1 of 4 stars; one submission).

Allele frequency attached by ClinVar (database versions not stated): gnomAD exomes below 0.00001.
gnomAD v4.1: 3 of 1,614,102 alleles (0.00019%); highest among the groups gnomAD compares: South Asian, 0.0033%; no homozygotes.

Submission:

Labcorp Genetics (formerly Invitae), Labcorp
Classification: Uncertain significance. Last evaluated: 2022-01-15. Review status: criteria provided, single submitter. Criteria: Invitae Variant Classification Sherloc (09022015). Collection method: clinical testing. Allele origin: germline.
Comment: In summary, the available evidence is currently insufficient to determine the role of this variant in disease. Therefore, it has been classified as a Variant of Uncertain Significance. This variant disrupts the p.Ala459 amino acid residue in SERPING1. Other variant(s) that disrupt this residue have been observed in individuals with SERPING1-related conditions (PMID: 23123409, 26812872), which suggests that this may be a clinically significant amino acid residue. Advanced modeling of protein sequence and biophysical properties (such as structural, functional, and spatial information, amino acid conservation, physicochemical variation, residue mobility, and thermodynamic stability) performed at Invitae indicates that this missense variant is not expected to disrupt SERPING1 protein function. This variant has not been reported in the literature in individuals affected with SERPING1-related conditions. This variant is present in population databases (no rsID available, gnomAD 0.003%). This sequence change replaces alanine, which is neutral and non-polar, with threonine, which is neutral and polar, at codon 459 of the SERPING1 protein (p.Ala459Thr).

Literature cited by the submitters: PubMed 23123409; PubMed 26812872.